The following is an entry in ClinVar:

NM_007078.3(LDB3):c.2142C>A (p.Asp714Glu)

Gene: LDB3 (LIM domain binding 3; plus strand). Cytogenetic location: 10q23.2.
Variant type: single nucleotide variant.
Coding change: c.2142C>A on transcript NM_007078.3 (MANE Select); coding-DNA position 2142, C replaced by A.
Protein change: p.Asp714Glu; replaces aspartic acid 714 with glutamic acid.
Molecular consequence: missense variant.
Genome position (GRCh38, 1-based): chr10:86,732,934, C>A. VCF-style: chr10-86732934-C-A. GRCh37 (hg19) VCF-style: chr10-88492691-C-A.
Other names: c.1812C>A, p.Asp604Glu (NM_001080114.2); c.2157C>A, p.Asp719Glu (NM_001171610.2); c.1953C>A, p.Asp651Glu (NM_001368064.1, NM_001368065.1); c.2001C>A, p.Asp667Glu (NM_001368066.1); short protein forms D714E, D604E, D651E, D667E, D719E.
Identifiers: ClinVar variation 964653 (VCV000964653.12), dbSNP rs1054918785, ClinGen allele CA377460362.

ClinVar aggregate classification (germline): Uncertain significance. Review status: criteria provided, multiple submitters, no conflicts (2 of 4 stars). 2 submissions from 2 submitters: Uncertain significance (2). Last evaluated 2025-07-14.

Conditions:
Cardiovascular phenotype. Identifiers: MedGen CN230736.
Myofibrillar myopathy 4. Also called: Zaspopathy (type). Identifiers: Orphanet 98912, MedGen C4721886, MONDO:0012277, OMIM 609452.

Allele frequency attached by ClinVar (database versions not stated): gnomAD 0.00001.
gnomAD v4.1: 2 of 1,613,874 alleles (0.00012%); highest among the groups gnomAD compares: African/African-American, 0.0027%; no homozygotes.

Submissions (2):

Labcorp Genetics (formerly Invitae), Labcorp
Classification: Uncertain significance for Myofibrillar myopathy 4. Last evaluated: 2025-07-14. Review status: criteria provided, single submitter. Criteria: Invitae Variant Classification Sherloc (09022015). Collection method: clinical testing. Allele origin: germline.
Comment: The LDB3 gene has multiple clinically relevant transcripts. This variant occurs in alternate transcript NM_007078.3, and corresponds to NM_001080116.1:c.*33560C>A in the primary transcript. This sequence change replaces aspartic acid, which is acidic and polar, with glutamic acid, which is acidic and polar, at codon 714 of the LDB3 protein ( p.Asp714Glu). This variant is not present in population databases (gnomAD no frequency). This variant has not been reported in the literature in individuals affected with LDB3-related conditions. In summary, the available evidence is currently insufficient to determine the role of this variant in disease. Therefore, it has been classified as a Variant of Uncertain Significance.

Ambry Genetics
Classification: Uncertain significance for Cardiovascular phenotype. Last evaluated: 2020-09-17. Review status: criteria provided, single submitter. Criteria: Ambry Variant Classification Scheme 2023. Collection method: clinical testing. Allele origin: germline.
Comment: The p.D714E variant (also known as c.2142C>A), located in coding exon 13 of the LDB3 gene, results from a C to A substitution at nucleotide position 2142. The aspartic acid at codon 714 is replaced by glutamic acid, an amino acid with highly similar properties. This amino acid position is highly conserved in available vertebrate species. In addition, the in silico prediction for this alteration is inconclusive. Since supporting evidence is limited at this time, the clinical significance of this alteration remains unclear.